The following is an entry in ClinVar:

NC_000023.10:g.(?_33038250)_(33229435_?)dup

Gene: DMD (dystrophin; minus strand). Cytogenetic location: Xp21.1.
Variant type: Duplication.
Identifiers: ClinVar variation 1400399 (VCV001400399.1).

ClinVar aggregate classification (germline): Uncertain significance (1 of 4 stars; one submission).

Conditions:
Duchenne muscular dystrophy (DMD). Also called: MUSCULAR DYSTROPHY, PSEUDOHYPERTROPHIC PROGRESSIVE, DUCHENNE TYPE; Duchenne Muscular Dystrophy (DMD). Identifiers: Orphanet 98896, MedGen C0013264, MONDO:0010679, OMIM 310200.

Submission:

Labcorp Genetics (formerly Invitae), Labcorp
Classification: Uncertain significance for Duchenne muscular dystrophy. Last evaluated: 2021-01-14. Review status: criteria provided, single submitter. Criteria: Invitae Variant Classification Sherloc (09022015). Collection method: clinical testing. Allele origin: germline.
Comment: This variant results in a copy number gain of the genomic region encompassing exon(s) 1-2 of the DMD gene. This region includes the initiator codon of the gene. The 5' end of this event is unknown as it extends beyond the assayed region for this gene and therefore may encompass additional genes. The 3' boundary is likely confined to intron 2 of the DMD gene. As the precise location of this event is unknown, it may be in tandem or it may be located elsewhere in the genome. This variant has not been reported in the literature in individuals with DMD-related conditions. Experimental studies and prediction algorithms are not available or were not evaluated, and the functional significance of this variant is currently unknown. In summary, the available evidence is currently insufficient to determine the role of this variant in disease. Therefore, it has been classified as a Variant of Uncertain Significance.